The following is an entry in ClinVar:

NM_014236.4(GNPAT):c.311G>A (p.Ser104Asn)

Gene: GNPAT (glyceronephosphate O-acyltransferase; plus strand). Cytogenetic location: 1q42.2.
Variant type: single nucleotide variant.
Coding change: c.311G>A on transcript NM_014236.4 (MANE Select); coding-DNA position 311, G replaced by A.
Protein change: p.Ser104Asn; replaces serine 104 with asparagine.
Molecular consequence: missense variant.
Genome position (GRCh38, 1-based): chr1:231,260,556, G>A. VCF-style: chr1-231260556-G-A. GRCh37 (hg19) VCF-style: chr1-231396302-G-A.
Other names: c.128G>A, p.Ser43Asn (NM_001316350.2); short protein forms S104N, S43N.
Identifiers: ClinVar variation 1501872 (VCV001501872.3), dbSNP rs202018338, ClinGen allele CA345231423.

ClinVar aggregate classification (germline): Uncertain significance (1 of 4 stars; one submission).

Submission:

Labcorp Genetics (formerly Invitae), Labcorp
Classification: Uncertain significance. Last evaluated: 2022-03-11. Review status: criteria provided, single submitter. Criteria: Invitae Variant Classification Sherloc (09022015). Collection method: clinical testing. Allele origin: germline.
Comment: This sequence change replaces serine, which is neutral and polar, with asparagine, which is neutral and polar, at codon 104 of the GNPAT protein (p.Ser104Asn). This variant is not present in population databases (gnomAD no frequency). This variant has not been reported in the literature in individuals affected with GNPAT-related conditions. Algorithms developed to predict the effect of missense changes on protein structure and function output the following: SIFT: "Tolerated"; PolyPhen-2: "Benign"; Align-GVGD: "Class C0". The asparagine amino acid residue is found in multiple mammalian species, which suggests that this missense change does not adversely affect protein function. In summary, the available evidence is currently insufficient to determine the role of this variant in disease. Therefore, it has been classified as a Variant of Uncertain Significance.